The following is an entry in ClinVar:

NM_001458.5(FLNC):c.1886G>A (p.Arg629Gln)

Gene: FLNC (filamin C; plus strand). Cytogenetic location: 7q32.1.
Variant type: single nucleotide variant.
Coding change: c.1886G>A on transcript NM_001458.5 (MANE Select); coding-DNA position 1886, G replaced by A.
Protein change: p.Arg629Gln; replaces arginine 629 with glutamine.
Molecular consequence: missense variant.
Genome position (GRCh38, 1-based): chr7:128,841,242, G>A. VCF-style: chr7-128841242-G-A. GRCh37 (hg19) VCF-style: chr7-128481296-G-A.
Other names: c.1886G>A, p.Arg629Gln (NM_001127487.2); short protein forms R629Q.
Identifiers: ClinVar variation 659237 (VCV000659237.20), dbSNP rs765173966, ClinGen allele CA4474524.
Genomic context (GRCh38, chr7:128,841,242, plus strand): 5'-AGGGGCCCTCACAAGCCAAGATCGAATGTGACGACAAGGGGGATGGCTCCTGCGATGTGC[G>A]GTACTGGCCCACGGAGCCTGGGGAGTACGCTGTGCACGTCATCTGTGACGATGAGGACAT-3'
Protein context (NP_001449.3, residues 619-639): DDKGDGSCDV[Arg629Gln]YWPTEPGEYA

ClinVar aggregate classification (germline): Conflicting classifications of pathogenicity. Review status: criteria provided, conflicting classifications (1 of 4 stars). 9 submissions from 9 submitters: Uncertain significance (3); Likely benign (4). 2 of the submissions do not count toward it. Last evaluated 2025-11-25.

Conditions:
Distal myopathy with posterior leg and anterior hand involvement. Also called: WILLIAMS DISTAL MYOPATHY. Identifiers: Orphanet 63273, MedGen C3279722, MONDO:0013550, OMIM 614065.
Myofibrillar myopathy 5. Also called: Filaminopathy (type); FILAMINOPATHY, AUTOSOMAL DOMINANT. Identifiers: Orphanet 171445, MedGen C1836050, MONDO:0012289, OMIM 609524.
Hypertrophic cardiomyopathy 26. Also called: Cardiomyopathy, familial hypertrophic, 26. Identifiers: Orphanet 75249, MedGen C4310749, MONDO:0014883, OMIM 617047.
Cardiovascular phenotype. Identifiers: MedGen CN230736.
Cardiomyopathy (CMYO). Also called: Cardiomyopathies. Identifiers: Orphanet 167848, MedGen C0878544, MONDO:0004994, HP:0001638. Inheritance: Various modes of inheritance.

Allele frequency attached by ClinVar (database versions not stated): gnomAD exomes 0.00005; gnomAD 0.00006 and 0.00007; TOPMed 0.00014; ExAC 0.00002.
gnomAD v4.1: 45 of 1,613,968 alleles (0.0028%); highest among the groups gnomAD compares: African/African-American, 0.032%; no homozygotes.

Submissions (9):

Labcorp Genetics (formerly Invitae), Labcorp
Classification: Likely benign for Distal myopathy with posterior leg and anterior hand involvement; Myofibrillar myopathy 5; Hypertrophic cardiomyopathy 26. Last evaluated: 2025-11-25. Review status: criteria provided, single submitter. Criteria: Invitae Variant Classification Sherloc (09022015). Collection method: clinical testing. Allele origin: germline.

Women's Health and Genetics/Laboratory Corporation of America, LabCorp
Classification: Likely benign. Last evaluated: 2025-10-30. Review status: criteria provided, single submitter. Criteria: LabCorp Variant Classification Summary - May 2015. Collection method: clinical testing. Allele origin: germline.
Comment: Variant summary: FLNC c.1886G>A (p.Arg629Gln) results in a conservative amino acid change in the encoded protein sequence. Algorithms developed to predict the effect of missense changes on protein structure and function are either unavailable or do not agree on the potential impact of this missense change. The variant allele was found at a frequency of 4.8e-05 in 249538 control chromosomes. The observed variant frequency exceeds the estimated maximal expected allele frequency for disease-causing variants in FLNC. c.1886G>A has been observed in at least one individual affected with Dilated Cardiomyopathy, without strong evidence for causality (Janin_2017). This report does not provide unequivocal conclusions about association of the variant with Cardiomyopathy. To our knowledge, no experimental evidence demonstrating an impact on protein function has been reported. The following publication has been ascertained in the context of this evaluation (PMID: 28436997). ClinVar contains an entry for this variant (Variation ID: 659237). Based on the evidence outlined above, the variant was classified as likely benign.

Ambry Genetics
Classification: Uncertain significance for Cardiovascular phenotype. Last evaluated: 2025-06-16. Review status: criteria provided, single submitter. Criteria: Ambry Variant Classification Scheme 2023. Collection method: clinical testing. Allele origin: germline.
Comment: The p.R629Q variant (also known as c.1886G>A), located in coding exon 12 of the FLNC gene, results from a G to A substitution at nucleotide position 1886. The arginine at codon 629 is replaced by glutamine, an amino acid with highly similar properties. This variant has been reported in a dilated cardiomyopathy cohort; however, clinical details were limited (Janin A et al. Clin Genet, 2017 Dec;92:616-623). This amino acid position is well conserved in available vertebrate species. In addition, the in silico prediction for this alteration is inconclusive. Based on the available evidence, the clinical significance of this variant remains unclear.

Molecular Diagnostic Laboratory for Inherited Cardiovascular Disease, Montreal Heart Institute
Classification: Likely benign. Last evaluated: 2025-04-09. Review status: criteria provided, single submitter. Criteria: ACMG Guidelines, 2015. Collection method: clinical testing. Allele origin: germline. Affected: no.
Comment: BS1

Blueprint Genetics
Classification: Likely benign. Last evaluated: 2023-06-09. Review status: criteria provided, single submitter. Criteria: ACMG Guidelines, 2015. Collection method: clinical testing. Allele origin: germline.

CHEO Genetics Diagnostic Laboratory, Children's Hospital of Eastern Ontario
Classification: Uncertain significance for Cardiomyopathy. Last evaluated: 2023-06-06. Review status: criteria provided, single submitter. Criteria: ACMG Guidelines, 2015. Collection method: clinical testing. Allele origin: germline.

Revvity Omics, Revvity
Classification: Uncertain significance. Last evaluated: 2019-08-09. Review status: criteria provided, single submitter. Criteria: ACMG Guidelines, 2015. Collection method: clinical testing. Allele origin: germline.

Clinical Genetics DNA and cytogenetics Diagnostics Lab, Erasmus MC, Erasmus Medical Center
Classification: Uncertain significance. Review status: no assertion criteria provided. Collection method: clinical testing. Allele origin: germline. Affected: yes. Study: VKGL Data-share Consensus. Not counted in ClinVar's aggregate classification.

Genome Diagnostics Laboratory, University Medical Center Utrecht
Classification: Uncertain significance. Review status: no assertion criteria provided. Collection method: clinical testing. Allele origin: germline. Affected: yes. Study: VKGL Data-share Consensus. Not counted in ClinVar's aggregate classification.

Literature cited by the submitters: PubMed 28436997 (cited by Women's Health and Genetics/Laboratory Corporation of America, LabCorp and Ambry Genetics).